The following is an entry in ClinVar:

ClinVar aggregate classification (germline): Benign (1 of 4 stars; one submission).

Submission:

Laboratory for Molecular Medicine, Mass General Brigham Personalized Medicine
Classification: Benign. Last evaluated: 2016-03-29. Review status: criteria provided, single submitter. Criteria: LMM Criteria. Collection method: clinical testing. Allele origin: germline.
Comment: Variant identified in a genome or exome case(s) and assessed due to predicted null impact of the variant or pathogenic assertions in the literature or databases. Disclaimer: This variant has not undergone full assessment. The following are preliminary notes: Frequency

NM_014432.4(IL20RA):c.725-6_725-5del

Gene: IL20RA (interleukin 20 receptor subunit alpha; minus strand). Cytogenetic location: 6q23.3.
Variant type: Deletion.
Coding change: c.725-6_725-5del on transcript NM_014432.4 (MANE Select); 6 bases into the intron before coding-DNA position 725 through 5 bases into the intron before coding-DNA position 725, 2 bases deleted (TT; older notation c.725-6_725-5delTT).
Molecular consequence: intron variant.
Genome position (GRCh38, 1-based): chr6:137,004,765-137,004,766, AA deleted on the plus strand (TT on the coding strand, the reverse complement: IL20RA is on the minus strand); deleting any 2 consecutive bases within chr6:137,004,765-137,004,779 gives the same sequence; the c. name uses the placement nearest the transcript's 3' end. VCF-style (leftmost placement, unchanged base first): chr6-137004764-TAA-T. GRCh37 (hg19) VCF-style: chr6-137325901-TAA-T.
Other names: c.326-6_326-5del (NM_001278724.4); c.392-6_392-5del (NM_001278723.3); c.578-6_578-5del (NM_001278722.2); c.725-6_725-5delTT (NM_014432.3).
Identifiers: ClinVar variation 402973 (VCV000402973.4), dbSNP rs5880323, ClinGen allele CA4018280.